The following is an entry in ClinVar:

ClinVar aggregate classification (germline): Uncertain significance. Review status: criteria provided, multiple submitters, no conflicts (2 of 4 stars). 2 submissions from 2 submitters: Uncertain significance (2). Last evaluated 2025-12-03.

Conditions:
Arginase deficiency. Also called: Arginase 1 Deficiency; ARGININEMIA; ARG1 DEFICIENCY. Identifiers: Orphanet 90, MedGen C0268548, MONDO:0008814, OMIM 207800.

Allele frequency attached by ClinVar (database versions not stated): TOPMed 0.00001; ESP Exome Variant Server 0.00008; gnomAD 0.00003.
gnomAD v4.1: 14 of 1,614,050 alleles (0.00087%); highest among the groups gnomAD compares: Non-Finnish European, 0.0012%; no homozygotes.

Submissions (2):

Mayo Clinic Laboratories, Mayo Clinic
Classification: Uncertain significance. Last evaluated: 2025-12-03. Review status: criteria provided, single submitter. Criteria: ACMG Guidelines, 2015. Collection method: clinical testing. Allele origin: germline. Observed: 1 variant allele.
Comment: PM2_supporting

Labcorp Genetics (formerly Invitae), Labcorp
Classification: Uncertain significance for Arginase deficiency. Last evaluated: 2023-10-03. Review status: criteria provided, single submitter. Criteria: Invitae Variant Classification Sherloc (09022015). Collection method: clinical testing. Allele origin: germline.
Comment: This sequence change replaces alanine, which is neutral and non-polar, with serine, which is neutral and polar, at codon 81 of the ARG1 protein (p.Ala81Ser). This variant is present in population databases (rs142107090, gnomAD 0.007%). This variant has not been reported in the literature in individuals affected with ARG1-related conditions. ClinVar contains an entry for this variant (Variation ID: 2091222). Advanced modeling of protein sequence and biophysical properties (such as structural, functional, and spatial information, amino acid conservation, physicochemical variation, residue mobility, and thermodynamic stability) performed at Invitae indicates that this missense variant is not expected to disrupt ARG1 protein function. In summary, the available evidence is currently insufficient to determine the role of this variant in disease. Therefore, it has been classified as a Variant of Uncertain Significance.

NM_000045.4(ARG1):c.241G>T (p.Ala81Ser)

Genes: ARG1 (arginase 1; plus strand), MED23 (mediator complex subunit 23; minus strand). Cytogenetic location: 6q23.2.
Variant type: single nucleotide variant.
Coding change: c.241G>T on transcript NM_000045.4 (MANE Select); coding-DNA position 241, G replaced by T.
Protein change: p.Ala81Ser; replaces alanine 81 with serine.
Molecular consequence: missense variant. On other transcripts: non-coding transcript variant (1), intron variant (2).
Genome position (GRCh38, 1-based): chr6:131,579,221, G>T. VCF-style: chr6-131579221-G-T. GRCh37 (hg19) VCF-style: chr6-131900361-G-T.
Other names: p.Ala81Ser; c.265G>T, p.Ala89Ser (NM_001244438.2); c.241G>T, p.Ala81Ser (NM_001369020.1); c.4078-4926C>A (NM_001270521.2); c.4096-4926C>A (NM_015979.4); short protein forms A89S, A81S.
Identifiers: ClinVar variation 2091222 (VCV002091222.3), dbSNP rs142107090, ClinGen allele CA147891749.
Genomic context (GRCh38, chr6:131,579,221, plus strand): 5'-GACAGTCCCTTTCAAATTGTGAAGAATCCAAGGTCTGTGGGAAAAGCAAGCGAGCAGCTG[G>T]CTGGCAAGGTGGCAGAAGTCAAGAAGAACGGAAGAATCAGCCTGGTGCTGGGCGGAGACC-3'
Protein context (NP_000036.2, residues 71-91): RSVGKASEQL[Ala81Ser]GKVAEVKKNG